The following is an entry in ClinVar:

NM_001377229.1(DISP1):c.3136G>A (p.Val1046Ile)

Gene: DISP1 (dispatched RND transporter family member 1; plus strand). Cytogenetic location: 1q41.
Variant type: single nucleotide variant.
Coding change: c.3136G>A on transcript NM_001377229.1 (MANE Select); coding-DNA position 3136, G replaced by A.
Protein change: p.Val1046Ile; replaces valine 1046 with isoleucine.
Molecular consequence: missense variant.
Genome position (GRCh38, 1-based): chr1:223,004,533, G>A. VCF-style: chr1-223004533-G-A. GRCh37 (hg19) VCF-style: chr1-223177875-G-A.
Other names: c.3136G>A (NM_032890.3); c.2407G>A, p.Val803Ile (NM_001350630.2); c.3136G>A, p.Val1046Ile (NM_001369594.1, NM_001377228.1, NM_032890.5); short protein forms V1046I, V803I.
Identifiers: ClinVar variation 4752012 (VCV004752012.2).

ClinVar aggregate classification (germline): Uncertain significance. Review status: criteria provided, multiple submitters, no conflicts (2 of 4 stars). 2 submissions from 2 submitters: Uncertain significance (2). Last evaluated 2025-12-15.

gnomAD v4.1: 21 of 1,614,164 alleles (0.0013%); highest among the groups gnomAD compares: Middle Eastern, 0.099%; no homozygotes.

Submissions (2):

Ambry Genetics
Classification: Uncertain significance. Last evaluated: 2025-12-15. Review status: criteria provided, single submitter. Criteria: Ambry Variant Classification Scheme 2023. Collection method: clinical testing. Allele origin: germline.

Labcorp Genetics (formerly Invitae), Labcorp
Classification: Uncertain significance. Last evaluated: 2025-09-07. Review status: criteria provided, single submitter. Criteria: Invitae Variant Classification Sherloc (09022015). Collection method: clinical testing. Allele origin: germline.
Comment: This sequence change replaces valine, which is neutral and non-polar, with isoleucine, which is neutral and non-polar, at codon 1046 of the DISP1 protein (p.Val1046Ile). This variant is present in population databases (rs779451585, gnomAD 0.002%). This variant has not been reported in the literature in individuals affected with DISP1-related conditions. An algorithm developed to predict the effect of missense changes on protein structure and function (PolyPhen-2) suggests that this variant is likely to be disruptive. In summary, the available evidence is currently insufficient to determine the role of this variant in disease. Therefore, it has been classified as a Variant of Uncertain Significance.